The following is an entry in ClinVar:

NM_000284.4(PDHA1):c.1040_1046dup (p.Ala350fs)

Gene: PDHA1 (pyruvate dehydrogenase E1 subunit alpha 1; plus strand). Cytogenetic location: Xp22.12.
Variant type: Duplication.
Coding change: c.1040_1046dup on transcript NM_000284.4 (MANE Select); coding-DNA positions 1040 to 1046, 7 bases duplicated (AGGATGC; older notation c.1040_1046dupAGGATGC).
Protein change: p.Ala350fs; shifts the reading frame from alanine 350.
Molecular consequence: frameshift variant.
Genome position (GRCh38, 1-based): chrX:19,359,520-19,359,526, AGGATGC duplicated. VCF-style (leftmost placement, unchanged base first): chrX-19359519-G-GAGGATGC. GRCh37 (hg19) VCF-style: chrX-19377637-G-GAGGATGC.
Other names: c.1154_1160dup, p.Ala388fs (NM_001173454.2); c.1061_1067dup, p.Ala357fs (NM_001173455.2); c.947_953dup, p.Ala319fs (NM_001173456.2); short protein forms A319fs, A350fs, A357fs, A388fs.
Identifiers: ClinVar variation 4070429 (VCV004070429.1).

ClinVar aggregate classification (germline): Pathogenic (0 of 4 stars; one submission).

Conditions:
Pyruvate dehydrogenase E1-alpha deficiency (PDHAD). Also called: ATAXIA, INTERMITTENT, WITH PYRUVATE DEHYDROGENASE DEFICIENCY; ATAXIA WITH LACTIC ACIDOSIS I; ATAXIA, INTERMITTENT, WITH ABNORMAL PYRUVATE METABOLISM; Ataxia, intermittent, with pyruvate dehydrogenase, or decarboxylase, deficiency. Identifiers: Orphanet 79243, MedGen C1839413, MONDO:0010717, OMIM 312170.

Submission:

PDHA1 Study Group, University Children’s Hospital, Paracelsus Medical University
Classification: Pathogenic for Pyruvate dehydrogenase E1-alpha deficiency. Last evaluated: 2024-10-15. Review status: no assertion criteria provided. Collection method: research. Allele origin: germline. Affected: yes. Observed: 1 variant allele.
Comment: The NM_000284.3:c.1040_1046dup (p.Ala350GlyfsTer11) change is a frameshift variant in PDHA1 gene. This variant is predicted to escape nonsense-mediated decay (NMD). Last literature search: July 12, 2024. This variant is absent or extremely rare in population-based cohorts in the Genome Aggregation Database (gnomAD). Individuals harboring this variant presented with clinical features compatible with PDHA1-related PDHc deficiency. In summary, this variant meets criteria to be classified as pathogenic (P) for PDHA1-related PDHc deficiency based on the ACMG/AMP criteria applied: PVS1, PM2 (last assessment October 15, 2024).

Literature cited by the submitters: DOI 10.1093/brain/awaf430.